The following is an entry in ClinVar:

NM_002500.5(NEUROD1):c.430C>A (p.Arg144Ser)

Gene: NEUROD1 (neuronal differentiation 1; minus strand). Cytogenetic location: 2q31.3.
Variant type: single nucleotide variant.
Coding change: c.430C>A on transcript NM_002500.5 (MANE Select); coding-DNA position 430, C replaced by A.
Protein change: p.Arg144Ser; replaces arginine 144 with serine.
Molecular consequence: missense variant.
Genome position (GRCh38, 1-based): chr2:181,678,431, G>T on the plus strand (C>A on the coding strand, the complement: NEUROD1 is on the minus strand). VCF-style: chr2-181678431-G-T. GRCh37 (hg19) VCF-style: chr2-182543158-G-T.
Other names: short protein forms R144S.
Identifiers: ClinVar variation 4764055 (VCV004764055.1).

ClinVar aggregate classification (germline): Uncertain significance (1 of 4 stars; one submission).

Submission:

Labcorp Genetics (formerly Invitae), Labcorp
Classification: Uncertain significance. Last evaluated: 2026-01-08. Review status: criteria provided, single submitter. Criteria: Invitae Variant Classification Sherloc (09022015). Collection method: clinical testing. Allele origin: germline.
Comment: This sequence change replaces arginine, which is basic and polar, with serine, which is neutral and polar, at codon 144 of the NEUROD1 protein (p.Arg144Ser). This variant is not present in population databases (gnomAD no frequency). This variant has not been reported in the literature in individuals affected with NEUROD1-related conditions. Invitae Evidence Modeling of protein sequence and biophysical properties (such as structural, functional, and spatial information, amino acid conservation, physicochemical variation, residue mobility, and thermodynamic stability) indicates that this missense variant is expected to disrupt NEUROD1 protein function with a positive predictive value of 80%. In summary, the available evidence is currently insufficient to determine the role of this variant in disease. Therefore, it has been classified as a Variant of Uncertain Significance.